The following is an entry in ClinVar:

NM_000235.4(LIPA):c.67G>A (p.Gly23Arg)

Gene: LIPA (lipase A, lysosomal acid type; minus strand). Cytogenetic location: 10q23.31.
Variant type: single nucleotide variant.
Coding change: c.67G>A on transcript NM_000235.4 (MANE Select); coding-DNA position 67, G replaced by A.
Protein change: p.Gly23Arg; replaces glycine 23 with arginine.
Molecular consequence: missense variant. On other transcripts: intron variant (1).
Genome position (GRCh38, 1-based): chr10:89,247,582, C>T on the plus strand (G>A on the coding strand, the complement: LIPA is on the minus strand). VCF-style: chr10-89247582-C-T. GRCh37 (hg19) VCF-style: chr10-91007339-C-T.
Other names: c.67G>A, p.Gly23Arg (NM_001127605.3); c.-120+4155G>A (NM_001288979.2); short protein forms G23R.
Identifiers: ClinVar variation 255612 (VCV000255612.31), dbSNP rs1051339, ClinGen allele CA5593831.

ClinVar aggregate classification (germline): Benign/Likely benign. Review status: criteria provided, multiple submitters, no conflicts (2 of 4 stars). 12 submissions from 12 submitters: Benign (8); Likely benign (2). 2 of the submissions do not count toward it. Last evaluated 2026-02-04.

Conditions:
Cardiovascular phenotype. Identifiers: MedGen CN230736.
Wolman disease (WOLD). Also called: LYSOSOMAL ACID LIPASE DEFICIENCY, ACUTE INFANTILE; LYSOSOMAL ACID LIPASE DEFICIENCY, COMPLETE; LIPA DEFICIENCY, COMPLETE; LAL DEFICIENCY, COMPLETE; CHOLESTEROL ESTER HYDROLASE DEFICIENCY, COMPLETE; Acid cholesteryl ester hydrolase deficiency, Wolman type. Identifiers: Orphanet 75233, MedGen C0043208, MONDO:0019148, OMIM 620151.
Lysosomal acid lipase deficiency. Also called: Acid cholesteryl ester hydrolase deficiency, type 2. Identifiers: Orphanet 275761, MedGen C5574740, MONDO:0800449, MONDO:0010204.

Allele frequency attached by ClinVar (database versions not stated): gnomAD exomes 0.09479 and 0.10015; ExAC 0.10080; 1000 Genomes Project 0.12001; 1000 Genomes Project 30x 0.12461; gnomAD 0.12955 and 0.13459; TOPMed 0.13985; ESP Exome Variant Server 0.14678.
gnomAD v4.1: 166,380 of 1,612,192 alleles (10%); highest among the groups gnomAD compares: African/African-American, 22%; 9,505 homozygotes.

Submissions (12):

Labcorp Genetics (formerly Invitae), Labcorp
Classification: Benign for Wolman disease. Last evaluated: 2026-02-04. Review status: criteria provided, single submitter. Criteria: Invitae Variant Classification Sherloc (09022015). Collection method: clinical testing. Allele origin: germline.

Blueprint Genetics
Classification: Benign. Last evaluated: 2024-11-27. Review status: criteria provided, single submitter. Criteria: ACMG Guidelines, 2015. Collection method: clinical testing. Allele origin: germline.

GENinCode PLC
Classification: Benign for Lysosomal acid lipase deficiency. Last evaluated: 2022-07-06. Review status: criteria provided, single submitter. Criteria: ACMG Guidelines, 2015. Collection method: clinical testing. Allele origin: germline.

Women's Health and Genetics/Laboratory Corporation of America, LabCorp
Classification: Likely benign. Last evaluated: 2021-12-03. Review status: criteria provided, single submitter. Criteria: LabCorp Variant Classification Summary - May 2015. Collection method: clinical testing. Allele origin: germline.

Genome-Nilou Lab
Classification: Benign for Cholesteryl ester storage disease. Last evaluated: 2021-07-10. Review status: criteria provided, single submitter. Criteria: ACMG Guidelines, 2015. Collection method: clinical testing. Allele origin: germline. Affected: no.

Ambry Genetics
Classification: Benign for Cardiovascular phenotype. Last evaluated: 2019-02-11. Review status: criteria provided, single submitter. Criteria: Ambry Variant Classification Scheme 2023. Collection method: clinical testing. Allele origin: germline.

Illumina Laboratory Services, Illumina
Classification: Benign for Cholesteryl ester storage disease. Last evaluated: 2018-01-13. Review status: criteria provided, single submitter. Criteria: ICSL Variant Classification Criteria 13 December 2019. Collection method: clinical testing. Allele origin: germline.
Comment: This variant was observed in the ICSL laboratory as part of a predisposition screen in an ostensibly healthy population. It had not been previously curated by ICSL or reported in the Human Gene Mutation Database (HGMD: prior to June 1st, 2018), and was therefore a candidate for classification through an automated scoring system. Utilizing variant allele frequency, disease prevalence and penetrance estimates, and inheritance mode, an automated score was calculated to assess if this variant is too frequent to cause the disease. Based on the score and internal cut-off values, a variant classified as benign is not then subjected to further curation. The score for this variant resulted in a classification of benign for this disease.

GeneDx
Classification: Benign. Last evaluated: 2015-03-03. Review status: criteria provided, single submitter. Criteria: GeneDx Variant Classification Process June 2021. Collection method: clinical testing. Allele origin: germline. Affected: yes.
Comment: This variant is associated with the following publications: (PMID: 31182375)

Breakthrough Genomics
Classification: Likely benign. Review status: criteria provided, single submitter. Criteria: ACMG Guidelines, 2015. Collection method: not provided. Allele origin: germline. Inheritance: Autosomal recessive inheritance. Affected: yes.

PreventionGenetics, part of Exact Sciences
Classification: Benign. Review status: criteria provided, single submitter. Criteria: ACMG Guidelines, 2015. Collection method: clinical testing. Allele origin: germline.

Natera, Inc.
Classification: Benign for Lysosomal acid lipase deficiency. Last evaluated: 2019-11-21. Review status: no assertion criteria provided. Collection method: clinical testing. Allele origin: germline. Not counted in ClinVar's aggregate classification.

Mayo Clinic Laboratories, Mayo Clinic
Classification: Benign. Last evaluated: 2015-12-15. Review status: no assertion criteria provided. Collection method: clinical testing. Allele origin: unknown. Not counted in ClinVar's aggregate classification.